The following is an entry in ClinVar:

NM_177924.5(ASAH1):c.408T>A (p.Phe136Leu)

Gene: ASAH1 (N-acylsphingosine amidohydrolase 1; minus strand). Cytogenetic location: 8p22.
Variant type: single nucleotide variant.
Coding change: c.408T>A on transcript NM_177924.5 (MANE Select); coding-DNA position 408, T replaced by A.
Protein change: p.Phe136Leu; replaces phenylalanine 136 with leucine.
Molecular consequence: missense variant.
Genome position (GRCh38, 1-based): chr8:18,064,506, A>T on the plus strand (T>A on the coding strand, the complement: ASAH1 is on the minus strand). VCF-style: chr8-18064506-A-T. GRCh37 (hg19) VCF-style: chr8-17922015-A-T.
Other names: c.390T>A, p.Phe130Leu (NM_001127505.3); c.213T>A, p.Phe71Leu (NM_001363743.2); c.456T>A, p.Phe152Leu (NM_004315.6); short protein forms F130L, F136L, F152L, F71L.
Identifiers: ClinVar variation 812474 (VCV000812474.1), dbSNP rs1588982421, ClinGen allele CA370431730.

ClinVar aggregate classification (germline): Likely pathogenic (1 of 4 stars; one submission).

Conditions:
Farber lipogranulomatosis (FRBRL). Also called: AC DEFICIENCY; ACID CERAMIDASE DEFICIENCY; CERAMIDASE DEFICIENCY; N-LAURYLSPHINGOSINE DEACYLASE DEFICIENCY; Farber's lipogranulomatosis; Farber's disease. Identifiers: Orphanet 333, MedGen C0268255, MONDO:0009218, OMIM 228000.

Submission:

Medical Affairs, Dicerna Pharmaceuticals
Classification: Likely pathogenic for Farber lipogranulomatosis. Last evaluated: 2019-06-19. Review status: criteria provided, single submitter. Criteria: ACMG Guidelines, 2015. Collection method: literature only. Allele origin: maternal. Inheritance: Autosomal recessive inheritance. Affected: yes. Observed: 1 variant allele.
Comment: Likely pathogenic has been assigned to variant c.408T>A for the following reasons. The child has compound heterozygous variants in the ASAH1 gene. Skin biopsy showed diffuse fibroblastic proliferation with diffuse chronic inflammatory cell infiltrates in the dermis with fat and foamy macrophages present in-between the fibroblasts which is characteristic of Farber disease. Both sequence and structural analysis predicts this variant is insignificant to protein function. Although prediction analysis shows neurality of this variant, the presence of lipid-filled macrophages and the severe Farber presentation indicates the variant is likely pathogenic.

Literature cited by the submitters: DOI 10.1111/cge.12316.